The following is an entry in ClinVar:

ClinVar aggregate classification (germline): Uncertain significance (1 of 4 stars; one submission).

Conditions:
Hereditary cancer-predisposing syndrome. Also called: Neoplastic Syndromes, Hereditary; Tumor predisposition; Hereditary neoplastic syndrome; Hereditary Cancer Syndrome. Identifiers: Orphanet 140162, MedGen C0027672, MeSH D009386, MONDO:0015356.

Submission:

Ambry Genetics
Classification: Uncertain significance for Hereditary cancer-predisposing syndrome. Last evaluated: 2026-07-07. Review status: criteria provided, single submitter. Criteria: Ambry Variant Classification Scheme 2023. Collection method: clinical testing. Allele origin: germline.
Comment: The p.E30D variant (also known as c.90G>C), located in coding exon 1 of the RB1 gene, results from a G to C substitution at nucleotide position 90. The glutamic acid at codon 30 is replaced by aspartic acid, an amino acid with highly similar properties. This amino acid position is conserved. In addition, the in silico prediction for this alteration is inconclusive. Based on the available evidence, the clinical significance of this variant remains unclear.

NM_000321.3(RB1):c.90G>C (p.Glu30Asp)

Gene: RB1 (RB transcriptional corepressor 1; plus strand). Cytogenetic location: 13q14.2.
Variant type: single nucleotide variant.
Coding change: c.90G>C on transcript NM_000321.3 (MANE Select); coding-DNA position 90, G replaced by C.
Protein change: p.Glu30Asp; replaces glutamic acid 30 with aspartic acid.
Molecular consequence: missense variant.
Genome position (GRCh38, 1-based): chr13:48,304,002, G>C. VCF-style: chr13-48304002-G-C. GRCh37 (hg19) VCF-style: chr13-48878138-G-C.
Other names: c.90G>C, p.Glu30Asp (NM_001407165.1, NM_001407166.1, NM_001407167.1); short protein forms E30D.
Identifiers: ClinVar variation 5027954 (VCV005027954.1).